The following is an entry in ClinVar:

NM_000492.4(CFTR):c.253G>C (p.Gly85Arg)

Gene: CFTR (CF transmembrane conductance regulator; plus strand). Cytogenetic location: 7q31.2.
Variant type: single nucleotide variant.
Coding change: c.253G>C on transcript NM_000492.4 (MANE Select); coding-DNA position 253, G replaced by C.
Protein change: p.Gly85Arg; replaces glycine 85 with arginine.
Molecular consequence: missense variant.
Genome position (GRCh38, 1-based): chr7:117,509,122, G>C. VCF-style: chr7-117509122-G-C. GRCh37 (hg19) VCF-style: chr7-117149176-G-C.
Other names: short protein forms G85R.
Identifiers: ClinVar variation 2567868 (VCV002567868.5), dbSNP rs1584776437, ClinGen allele CA368972281.

ClinVar aggregate classification (germline): Conflicting classifications of pathogenicity. Review status: criteria provided, conflicting classifications (1 of 4 stars). 3 submissions from 3 submitters: Likely pathogenic (1); Uncertain significance (1). 1 of the submissions does not count toward it. Last evaluated 2023-11-22.

Conditions:
CFTR-related disorder (CFTR-RD). Also called: CFTR-related disorders; CFTR-related condition. Identifiers: MedGen C5924204, MONDO:7770004.
Cystic fibrosis (CF). Also called: MUCOVISCIDOSIS. Identifiers: Orphanet 586, MedGen C0010674, MONDO:0009061, OMIM 219700. Disease mechanism: loss of function.

Submissions (3):

ARUP Laboratories, Molecular Genetics and Genomics, ARUP Laboratories
Classification: Likely pathogenic. Last evaluated: 2023-11-22. Review status: criteria provided, single submitter. Criteria: ARUP Molecular Germline Variant Investigation Process 2024. Collection method: clinical testing. Allele origin: germline.
Comment: The CFTR c.253G>C; p.Gly85Arg variant, is reported as a rare CFTR variant in Africa and Asia (Abubakar Bobbo 2023), as well as Belgium populations (De Wachter 2017); however, published clinical information is limited. This variant is also reported in ClinVar (Variation ID: 2567868). It is absent from the Genome Aggregation Database (v2.1.1), indicating it is not a common polymorphism. Computational analyses predict that this variant is deleterious (REVEL: 0.956). Additionally, a different variant at this codon (p.Gly85Glu) is a well-established pathogenic variant (see ClinVar Variation ID: 7143), suggesting the glycine 85 residue is critical for protein function. Based on available information, this variant is considered to be likely pathogenic. References: Abubakar Bobbo K et al. A comprehensive review of cystic fibrosis in Africa and Asia. Saudi J Biol Sci. 2023 Jul;30(7):103685. PMID: 37313453. De Wachter E et al. What can the CF registry tell us about rare CFTR-mutations? A Belgian study. Orphanet J Rare Dis. 2017 Aug 22;12(1):142. PMID: 28830496.

Ambry Genetics
Classification: Uncertain significance for Cystic fibrosis. Last evaluated: 2023-04-17. Review status: criteria provided, single submitter. Criteria: Ambry Variant Classification Scheme 2023. Collection method: clinical testing. Allele origin: germline.
Comment: The p.G85R variant (also known as c.253G>C), located in coding exon 3 of the CFTR gene, results from a G to C substitution at nucleotide position 253. The glycine at codon 85 is replaced by arginine, an amino acid with dissimilar properties. This alteration was identified in the Belgian CF registry in an individual who had a sweat chloride >60 mmol/L (De Wachter E et al. Orphanet J Rare Dis, 2017 Aug;12:142). This amino acid position is highly conserved in available vertebrate species. In addition, this alteration is predicted to be deleterious by in silico analysis. Since supporting evidence is limited at this time, the clinical significance of this alteration remains unclear.

PreventionGenetics, part of Exact Sciences
Classification: Uncertain significance for CFTR-related condition. Last evaluated: 2024-01-22. Review status: no assertion criteria provided. Collection method: clinical testing. Allele origin: germline. Not counted in ClinVar's aggregate classification.
Comment: The CFTR c.253G>C variant is predicted to result in the amino acid substitution p.Gly85Arg. This variant has been reported in an individual in the Belgian Cystic Fibrosis Registry; however, the presence of an additional variant was not specified (De Wachter et al. 2017. PubMed ID: 28830496). It is absent in a large population database, indicating it is rare. Alternative nucleotide changes affecting the same amino acid (p.Gly85Glu, p.Gly85Val) have been reported in individuals with cystic fibrosis (Kerem et al. 1997. PubMed ID: 9271620; Casals et al. 1997. PubMed ID: 9439669). At this time, the clinical significance of this variant is uncertain due to the absence of conclusive functional and genetic evidence.

Literature cited by the submitters: PubMed 28830496 (cited by Ambry Genetics).